The following is an entry in ClinVar:

NM_001927.4(DES):c.236C>A (p.Thr79Lys)

Gene: DES (desmin; plus strand). Cytogenetic location: 2q35.
Variant type: single nucleotide variant.
Coding change: c.236C>A on transcript NM_001927.4 (MANE Select); coding-DNA position 236, C replaced by A.
Protein change: p.Thr79Lys; replaces threonine 79 with lysine.
Molecular consequence: missense variant.
Genome position (GRCh38, 1-based): chr2:219,418,698, C>A. VCF-style: chr2-219418698-C-A. GRCh37 (hg19) VCF-style: chr2-220283420-C-A.
Other names: c.236C>A, p.Thr79Lys (NM_001382708.1, NM_001382709.1, NM_001382710.1 and 3 more transcripts); short protein forms T79K.
Identifiers: ClinVar variation 3750314 (VCV003750314.2).

ClinVar aggregate classification (germline): Uncertain significance (1 of 4 stars; one submission).

Conditions:
Desmin-related myofibrillar myopathy (MFM1). Also called: MYOFIBRILLAR MYOPATHY WITH ARRHYTHMOGENIC RIGHT VENTRICULAR CARDIOMYOPATHY; DESMIN-RELATED MYOPATHY WITH ARRHYTHMOGENIC RIGHT VENTRICULAR CARDIOMYOPATHY; Desminopathy; Desmin related myopathy (former name); Desmin storage myopathy (former name); Myofibrillar myopathy 1. Identifiers: Orphanet 363543, Orphanet 98909, MedGen C1832370, MONDO:0011076, OMIM 601419.

Submission:

Labcorp Genetics (formerly Invitae), Labcorp
Classification: Uncertain significance for Desmin-related myofibrillar myopathy. Last evaluated: 2024-08-14. Review status: criteria provided, single submitter. Criteria: Invitae Variant Classification Sherloc (09022015). Collection method: clinical testing. Allele origin: germline.
Comment: This sequence change replaces threonine, which is neutral and polar, with lysine, which is basic and polar, at codon 79 of the DES protein (p.Thr79Lys). This variant is not present in population databases (gnomAD no frequency). This variant has not been reported in the literature in individuals affected with DES-related conditions. Invitae Evidence Modeling of protein sequence and biophysical properties (such as structural, functional, and spatial information, amino acid conservation, physicochemical variation, residue mobility, and thermodynamic stability) has been performed for this missense variant. However, the output from this modeling did not meet the statistical confidence thresholds required to predict the impact of this variant on DES protein function. In summary, the available evidence is currently insufficient to determine the role of this variant in disease. Therefore, it has been classified as a Variant of Uncertain Significance.